The following is an entry in ClinVar:

NM_001429.4(EP300):c.7186A>C (p.Ser2396Arg)

Gene: EP300 (EP300 lysine acetyltransferase; plus strand). Cytogenetic location: 22q13.2.
Variant type: single nucleotide variant.
Coding change: c.7186A>C on transcript NM_001429.4 (MANE Select); coding-DNA position 7186, A replaced by C.
Protein change: p.Ser2396Arg; replaces serine 2396 with arginine.
Molecular consequence: missense variant.
Genome position (GRCh38, 1-based): chr22:41,178,897, A>C. VCF-style: chr22-41178897-A-C. GRCh37 (hg19) VCF-style: chr22-41574901-A-C.
Other names: c.7108A>C, p.Ser2370Arg (NM_001362843.2); short protein forms S2370R, S2396R.
Identifiers: ClinVar variation 2853864 (VCV002853864.3), dbSNP rs764376096, ClinGen allele CA411684696.

ClinVar aggregate classification (germline): Uncertain significance (1 of 4 stars; one submission).

Conditions:
Rubinstein-Taybi syndrome due to EP300 haploinsufficiency. Also called: EP300-Related Rubinstein-Taybi Syndrome; RUBINSTEIN-TAYBI SYNDROME 2. Identifiers: Orphanet 353284, Orphanet 783, MedGen C3150941, MONDO:0013364, OMIM 613684.

Submission:

Labcorp Genetics (formerly Invitae), Labcorp
Classification: Uncertain significance for Rubinstein-Taybi syndrome due to EP300 haploinsufficiency. Last evaluated: 2023-06-07. Review status: criteria provided, single submitter. Criteria: Invitae Variant Classification Sherloc (09022015). Collection method: clinical testing. Allele origin: germline.
Comment: This variant is not present in population databases (gnomAD no frequency). This sequence change replaces serine, which is neutral and polar, with arginine, which is basic and polar, at codon 2396 of the EP300 protein (p.Ser2396Arg). This variant has not been reported in the literature in individuals affected with EP300-related conditions. Advanced modeling of protein sequence and biophysical properties (such as structural, functional, and spatial information, amino acid conservation, physicochemical variation, residue mobility, and thermodynamic stability) performed at Invitae indicates that this missense variant is not expected to disrupt EP300 protein function. In summary, the available evidence is currently insufficient to determine the role of this variant in disease. Therefore, it has been classified as a Variant of Uncertain Significance.